The following is an entry in ClinVar:

NM_006929.5(SKIC2):c.2196G>A (p.Met732Ile)

Gene: SKIC2 (SKI2 subunit of superkiller complex; plus strand). Cytogenetic location: 6p21.33.
Variant type: single nucleotide variant.
Coding change: c.2196G>A on transcript NM_006929.5 (MANE Select); coding-DNA position 2196, G replaced by A.
Protein change: p.Met732Ile; replaces methionine 732 with isoleucine.
Molecular consequence: missense variant.
Genome position (GRCh38, 1-based): chr6:31,966,007, G>A. VCF-style: chr6-31966007-G-A. GRCh37 (hg19) VCF-style: chr6-31933784-G-A.
Other names: short protein forms M732I.
Identifiers: ClinVar variation 1936979 (VCV001936979.4), dbSNP rs935211069, ClinGen allele CA136910582.

ClinVar aggregate classification (germline): Uncertain significance (1 of 4 stars; one submission).

Allele frequency attached by ClinVar (database versions not stated): TOPMed below 0.00001; gnomAD 0.00001.
gnomAD v4.1: 13 of 1,587,718 alleles (0.00082%); highest among the groups gnomAD compares: Middle Eastern, 0.05%; no homozygotes.

Submission:

Labcorp Genetics (formerly Invitae), Labcorp
Classification: Uncertain significance. Last evaluated: 2024-04-09. Review status: criteria provided, single submitter. Criteria: Invitae Variant Classification Sherloc (09022015). Collection method: clinical testing. Allele origin: germline.
Comment: This sequence change replaces methionine, which is neutral and non-polar, with isoleucine, which is neutral and non-polar, at codon 732 of the SKIV2L protein (p.Met732Ile). This variant is present in population databases (no rsID available, gnomAD no frequency). This variant has not been reported in the literature in individuals affected with SKIV2L-related conditions. ClinVar contains an entry for this variant (Variation ID: 1936979). An algorithm developed to predict the effect of missense changes on protein structure and function (PolyPhen-2) suggests that this variant is likely to be disruptive. In summary, the available evidence is currently insufficient to determine the role of this variant in disease. Therefore, it has been classified as a Variant of Uncertain Significance.